The following is an entry in ClinVar:

NM_015158.5(KANK1):c.3554-9_3554-5del

Gene: KANK1 (KN motif and ankyrin repeat domains 1; plus strand). Cytogenetic location: 9p24.3.
Variant type: Deletion.
Coding change: c.3554-9_3554-5del on transcript NM_015158.5 (MANE Select); 9 bases into the intron before coding-DNA position 3554 through 5 bases into the intron before coding-DNA position 3554, 5 bases deleted (TTTTT; older notation c.3554-9_3554-5delTTTTT).
Molecular consequence: intron variant.
Genome position (GRCh38, 1-based): chr9:740,783-740,787, TTTTT deleted; deleting any 5 consecutive bases within chr9:740,770-740,787 gives the same sequence; the c. name uses the placement nearest the transcript's 3' end. VCF-style (leftmost placement, unchanged base first): chr9-740769-CTTTTT-C. GRCh37 (hg19) VCF-style: chr9-740769-CTTTTT-C.
Other names: c.3554-9_3554-5del (NM_001256876.3, NM_001354334.2, NM_001256877.3); c.3080-9_3080-5del (NM_001354333.2, NM_001354335.2, NM_001354337.2 and 2 more transcripts); c.3314-9_3314-5del (NM_001354331.2); c.3500-9_3500-5del (NM_001354332.2); c.2786-9_2786-5del (NM_001354336.2); c.2840-9_2840-5del (NM_001354339.2, NM_001354343.2, NM_001354342.2); c.3026-9_3026-5del (NM_001354338.2, NM_001354340.2, NM_001354344.2).
Identifiers: ClinVar variation 931793 (VCV000931793.3), dbSNP rs58169581, ClinGen allele CA4961032.

ClinVar aggregate classification (germline): Benign (1 of 4 stars; one submission).

Conditions:
Cerebral palsy, spastic quadriplegic, 2 (CPSQ2). Identifiers: Orphanet 210141, MedGen C2752061, MONDO:0013033, OMIM 612900.

Submission:

Centre for Mendelian Genomics, University Medical Centre Ljubljana
Classification: Benign for Cerebral palsy, spastic quadriplegic, 2. Last evaluated: 2018-09-26. Review status: criteria provided, single submitter. Criteria: ACMG Guidelines, 2015. Collection method: clinical testing. Allele origin: unknown. Affected: yes.
Comment: This variant was classified as: Benign. The following ACMG criteria were applied in classifying this variant: BS1,BS2.